The following is an entry in ClinVar:

ClinVar aggregate classification (germline): Conflicting classifications of pathogenicity. Review status: criteria provided, conflicting classifications (1 of 4 stars). 6 submissions from 6 submitters: Uncertain significance (3); Likely benign (2). 1 of the submissions does not count toward it. Last evaluated 2026-03-30.

Conditions:
TTC21B-related disorder. Also called: TTC21B-related condition; TTC21B-related disorders.
Inborn genetic diseases. Identifiers: MedGen C0950123, MeSH D030342.
Jeune thoracic dystrophy. Also called: Jeune syndrome; Infantile thoracic dystrophy; Thoracic pelvic phalangeal dystrophy; Jeune's syndrome; Chondroectodermal dysplasia-like syndrome; Short-rib thoracic dysplasia. Identifiers: Orphanet 474, MedGen C0265275, MONDO:0018770.
Nephronophthisis. Also called: Juvenile Nephronophthisis. Identifiers: Orphanet 655, MedGen C0687120, MONDO:0019005, HP:0000090.
Nephronophthisis 12 (NPHP12). Identifiers: Orphanet 655, MedGen C3151186, MONDO:0013442, OMIM 613820.
Asphyxiating thoracic dystrophy 4 (SRTD4). Also called: SHORT-RIB THORACIC DYSPLASIA 4; SHORT-RIB THORACIC DYSPLASIA 4 WITH OR WITHOUT POLYDACTYLY. Identifiers: Orphanet 474, MedGen C3151185, MONDO:0013441, OMIM 613819.

Allele frequency attached by ClinVar (database versions not stated): gnomAD exomes 0.00004 and 0.00008; ExAC 0.00008; ESP Exome Variant Server 0.00031; gnomAD 0.00038 and 0.00041; TOPMed 0.00043.
gnomAD v4.1: 127 of 1,614,102 alleles (0.0079%); highest among the groups gnomAD compares: African/African-American, 0.14%; no homozygotes.

Submissions (6):

Ambry Genetics
Classification: Likely benign for Inborn genetic diseases. Last evaluated: 2026-03-30. Review status: criteria provided, single submitter. Criteria: Ambry Variant Classification Scheme 2023. Collection method: clinical testing. Allele origin: germline.

Labcorp Genetics (formerly Invitae), Labcorp
Classification: Likely benign for Jeune thoracic dystrophy; Nephronophthisis. Last evaluated: 2026-01-17. Review status: criteria provided, single submitter. Criteria: Invitae Variant Classification Sherloc (09022015). Collection method: clinical testing. Allele origin: germline.

Fulgent Genetics
Classification: Uncertain significance for Asphyxiating thoracic dystrophy 4; Nephronophthisis 12. Last evaluated: 2024-02-07. Review status: criteria provided, single submitter. Criteria: ACMG Guidelines, 2015. Collection method: clinical testing. Allele origin: germline.

Blueprint Genetics
Classification: Uncertain significance. Last evaluated: 2023-02-01. Review status: criteria provided, single submitter. Criteria: ACMG Guidelines, 2015. Collection method: clinical testing. Allele origin: germline.

Baylor Genetics
Classification: Uncertain significance for Nephronophthisis 12. Last evaluated: 2018-06-26. Review status: criteria provided, single submitter. Criteria: ACMG Guidelines, 2015. Collection method: clinical testing. Allele origin: unknown. Affected: yes.
Comment: This variant was determined to be of uncertain significance according to ACMG Guidelines, 2015 [PMID:25741868].

PreventionGenetics, part of Exact Sciences
Classification: Uncertain significance for TTC21B-related condition. Last evaluated: 2024-08-15. Review status: no assertion criteria provided. Collection method: clinical testing. Allele origin: germline. Not counted in ClinVar's aggregate classification.
Comment: The TTC21B c.2255A>G variant is predicted to result in the amino acid substitution p.Asn752Ser. To our knowledge, this variant has not been reported in the literature. This variant is reported in 0.11% of alleles in individuals of African descent in gnomAD. Although we suspect this variant could be benign, at this time, the clinical significance of this variant is uncertain due to the absence of conclusive functional and genetic evidence.

NM_024753.5(TTC21B):c.2255A>G (p.Asn752Ser)

Gene: TTC21B (tetratricopeptide repeat domain 21B; minus strand). Cytogenetic location: 2q24.3.
Variant type: single nucleotide variant.
Coding change: c.2255A>G on transcript NM_024753.5 (MANE Select); coding-DNA position 2255, A replaced by G.
Protein change: p.Asn752Ser; replaces asparagine 752 with serine.
Molecular consequence: missense variant.
Genome position (GRCh38, 1-based): chr2:165,912,581, T>C on the plus strand (A>G on the coding strand, the complement: TTC21B is on the minus strand). VCF-style: chr2-165912581-T-C. GRCh37 (hg19) VCF-style: chr2-166769091-T-C.
Other names: c.2255A>G (NM_024753.3); short protein forms N752S.
Identifiers: ClinVar variation 459287 (VCV000459287.16), dbSNP rs148222901, ClinGen allele CA1941882.
Genomic context (GRCh38, chr2:165,912,581, plus strand): 5'-TAGTTATGAGTTTTGATAAGTGCTTTGCCCATTTTGCTTGCCAATGTTCCATCTTTCGGG[T>C]TCTGATTTAATGCTTGCTCATATGCTACTATGGCTTCTTCAGGCTAATATTGCCAGACAC-3'
Protein context (NP_079029.3, residues 742-762): IVAYEQALNQ[Asn752Ser]PKDGTLASKM